The following is an entry in ClinVar:

NM_001369.3(DNAH5):c.2804C>T (p.Ala935Val)

Genes: DNAH5 (dynein axonemal heavy chain 5; minus strand), DNAH5-AS1 (DNAH5 antisense RNA 1; plus strand). Cytogenetic location: 5p15.2.
Variant type: single nucleotide variant.
Coding change: c.2804C>T on transcript NM_001369.3 (MANE Select); coding-DNA position 2804, C replaced by T.
Protein change: p.Ala935Val; replaces alanine 935 with valine.
Molecular consequence: missense variant.
Genome position (GRCh38, 1-based): chr5:13,885,168, G>A on the plus strand (C>T on the coding strand, the complement: DNAH5 is on the minus strand). VCF-style: chr5-13885168-G-A. GRCh37 (hg19) VCF-style: chr5-13885277-G-A.
Other names: short protein forms A935V.
Identifiers: ClinVar variation 1416664 (VCV001416664.13), dbSNP rs1457781570, ClinGen allele CA359195553.

ClinVar aggregate classification (germline): Uncertain significance (1 of 4 stars; one submission).

Conditions:
Primary ciliary dyskinesia. Also called: Ciliary dyskinesia. Identifiers: Orphanet 244, MedGen C0008780, MONDO:0016575, HP:0012265.

Allele frequency attached by ClinVar (database versions not stated): gnomAD exomes below 0.00001 and 0.00001.
gnomAD v4.1: 3 of 1,614,162 alleles (0.00019%); highest among the groups gnomAD compares: Non-Finnish European, 0.00025%; no homozygotes.

Submission:

Labcorp Genetics (formerly Invitae), Labcorp
Classification: Uncertain significance for Primary ciliary dyskinesia. Last evaluated: 2021-09-01. Review status: criteria provided, single submitter. Criteria: Invitae Variant Classification Sherloc (09022015). Collection method: clinical testing. Allele origin: germline.
Comment: This sequence change replaces alanine with valine at codon 935 of the DNAH5 protein (p.Ala935Val). The alanine residue is weakly conserved and there is a small physicochemical difference between alanine and valine. This variant is not present in population databases (ExAC no frequency). This variant has not been reported in the literature in individuals affected with DNAH5-related conditions. Advanced modeling of protein sequence and biophysical properties (such as structural, functional, and spatial information, amino acid conservation, physicochemical variation, residue mobility, and thermodynamic stability) performed at Invitae indicates that this missense variant is not expected to disrupt DNAH5 protein function. In summary, the available evidence is currently insufficient to determine the role of this variant in disease. Therefore, it has been classified as a Variant of Uncertain Significance.